The following is an entry in ClinVar:

ClinVar aggregate classification (germline): Uncertain significance. Review status: criteria provided, multiple submitters, no conflicts (2 of 4 stars). 3 submissions from 3 submitters: Uncertain significance (3). Last evaluated 2026-08-06.

Conditions:
Inborn genetic diseases. Identifiers: MedGen C0950123, MeSH D030342.
Cerebellar-facial-dental syndrome. Also called: Cerebellofaciodental syndrome. Identifiers: Orphanet 444072, MedGen C4015495, MONDO:0014529, OMIM 616202.

Allele frequency attached by ClinVar (database versions not stated): TOPMed 0.00002; gnomAD 0.00003; ESP Exome Variant Server 0.00008.
gnomAD v4.1: 19 of 1,611,110 alleles (0.0012%); highest among the groups gnomAD compares: Admixed American, 0.0067%; no homozygotes.

Submissions (3):

OLLIN Analises Genomicas, OLLIN
Classification: Uncertain significance. Last evaluated: 2026-08-06. Review status: criteria provided, single submitter. Criteria: ACMG Guidelines 2015 PMID 25741868. Collection method: clinical testing. Allele origin: germline.
Comment: This missense variant, located in exon 11 (of 18), has been reported in ClinVar (accession VCV002444352.2) and in gnomAD with an allele frequency of 0.0012%. However, to our knowledge, it has not been reported in the scientific literature. In silico analysis predicts that this variant has a tolerated effect. According to the currently available evidence, this variant has been classified as uncertain significance (PM2_P, BP4_VS).

Ambry Genetics
Classification: Uncertain significance for Inborn genetic diseases. Last evaluated: 2024-08-19. Review status: criteria provided, single submitter. Criteria: Ambry Variant Classification Scheme 2023. Collection method: clinical testing. Allele origin: germline.

3billion
Classification: Uncertain significance for Cerebellar-facial-dental syndrome. Last evaluated: 2023-02-23. Review status: criteria provided, single submitter. Criteria: ACMG Guidelines, 2015. Collection method: clinical testing. Allele origin: unknown. Affected: yes.
Comment: The variant is observed at an extremely low frequency in the gnomAD v2.1.1 dataset (total allele frequency: 0.003%). Missense changes are a common disease-causing mechanism. In silico tool predictions suggest no damaging effect of the variant on gene or gene product. The evidence of pathogenicity is insufficient at this time. Therefore, this variant is classified as VUS according to the recommendation of ACMG/AMP guideline.

NM_001519.4(BRF1):c.1204G>A (p.Gly402Ser)

Gene: BRF1 (BRF1 general transcription factor IIIB subunit; minus strand). Cytogenetic location: 14q32.33.
Variant type: single nucleotide variant.
Coding change: c.1204G>A on transcript NM_001519.4 (MANE Select); coding-DNA position 1204, G replaced by A.
Protein change: p.Gly402Ser; replaces glycine 402 with serine.
Molecular consequence: missense variant.
Genome position (GRCh38, 1-based): chr14:105,221,759, C>T on the plus strand (G>A on the coding strand, the complement: BRF1 is on the minus strand). VCF-style: chr14-105221759-C-T. GRCh37 (hg19) VCF-style: chr14-105688096-C-T.
Other names: c.1204G>A (NM_001519.3); c.859G>A, p.Gly287Ser (NM_001242786.2, NM_001242787.2); c.1123G>A, p.Gly375Ser (NM_001242788.2); c.490G>A, p.Gly164Ser (NM_001242789.2); c.592G>A, p.Gly198Ser (NM_145685.3); short protein forms G164S, G198S, G287S, G375S, G402S.
Identifiers: ClinVar variation 2444352 (VCV002444352.3), dbSNP rs146262464, ClinGen allele CA266553384.